The following is an entry in ClinVar:

NM_001184.4(ATR):c.5476G>C (p.Val1826Leu)

Gene: ATR (ATR checkpoint kinase; minus strand). Cytogenetic location: 3q23.
Variant type: single nucleotide variant.
Coding change: c.5476G>C on transcript NM_001184.4 (MANE Select); coding-DNA position 5476, G replaced by C.
Protein change: p.Val1826Leu; replaces valine 1826 with leucine.
Molecular consequence: missense variant.
Genome position (GRCh38, 1-based): chr3:142,498,679, C>G on the plus strand (G>C on the coding strand, the complement: ATR is on the minus strand). VCF-style: chr3-142498679-C-G. GRCh37 (hg19) VCF-style: chr3-142217521-C-G.
Other names: c.5284G>C, p.Val1762Leu (NM_001354579.2); short protein forms V1826L, V1762L.
Identifiers: ClinVar variation 2453561 (VCV002453561.2), dbSNP rs2473165021, ClinGen allele CA354815840.

ClinVar aggregate classification (germline): Uncertain significance (1 of 4 stars; one submission).

Conditions:
Inborn genetic diseases. Identifiers: MedGen C0950123, MeSH D030342.

Submission:

Ambry Genetics
Classification: Uncertain significance for Inborn genetic diseases. Last evaluated: 2023-01-07. Review status: criteria provided, single submitter. Criteria: Ambry Variant Classification Scheme 2023. Collection method: clinical testing. Allele origin: germline.
Comment: The p.V1826L variant (also known as c.5476G>C), located in coding exon 32 of the ATR gene, results from a G to C substitution at nucleotide position 5476. The valine at codon 1826 is replaced by leucine, an amino acid with highly similar properties. This amino acid position is conserved. In addition, the in silico prediction for this alteration is inconclusive. Since supporting evidence is limited at this time, the clinical significance of this alteration remains unclear.